The following is an entry in ClinVar:

NM_000038.6(APC):c.3854A>T (p.Asp1285Val)

Gene: APC (APC regulator of Wnt signaling pathway; plus strand). Cytogenetic location: 5q22.2.
Variant type: single nucleotide variant.
Coding change: c.3854A>T on transcript NM_000038.6 (MANE Select); coding-DNA position 3854, A replaced by T.
Protein change: p.Asp1285Val; replaces aspartic acid 1285 with valine.
Molecular consequence: missense variant. On other transcripts: non-coding transcript variant (2).
Genome position (GRCh38, 1-based): chr5:112,839,448, A>T. VCF-style: chr5-112839448-A-T. GRCh37 (hg19) VCF-style: chr5-112175145-A-T.
Other names: c.3854A>T, p.Asp1285Val (NM_001127510.3, NM_001354895.2, NM_001407450.1); c.3800A>T, p.Asp1267Val (NM_001127511.3); c.3908A>T, p.Asp1303Val (NM_001354896.2, NM_001407447.1, NM_001407448.1 and 1 more transcripts); c.3884A>T, p.Asp1295Val (NM_001354897.2); c.3779A>T, p.Asp1260Val (NM_001354898.2); c.3770A>T, p.Asp1257Val (NM_001354899.2); c.3731A>T, p.Asp1244Val (NM_001354900.2); c.3677A>T, p.Asp1226Val (NM_001354901.2, NM_001407453.1); and 11 more; short protein forms D1295V, D1303V, D1156V, D1184V, D1202V, D1002V, D1125V, D1194V.
Identifiers: ClinVar variation 5025152 (VCV005025152.1).

ClinVar aggregate classification (germline): Uncertain significance (1 of 4 stars; one submission).

Conditions:
Hereditary cancer-predisposing syndrome. Also called: Neoplastic Syndromes, Hereditary; Tumor predisposition; Hereditary neoplastic syndrome; Hereditary Cancer Syndrome. Identifiers: Orphanet 140162, MedGen C0027672, MeSH D009386, MONDO:0015356.

Submission:

Ambry Genetics
Classification: Uncertain significance for Hereditary cancer-predisposing syndrome. Last evaluated: 2026-07-07. Review status: criteria provided, single submitter. Criteria: Ambry Variant Classification Scheme 2023. Collection method: clinical testing. Allele origin: germline.
Comment: The p.D1285V variant (also known as c.3854A>T), located in coding exon 15 of the APC gene, results from an A to T substitution at nucleotide position 3854. The aspartic acid at codon 1285 is replaced by valine, an amino acid with highly dissimilar properties. This amino acid position is conserved. In addition, in silico predictors for this gene do not accurately predict pathogenicity. Based on the available evidence, the clinical significance of this variant remains unclear.